The following is an entry in ClinVar:

NM_024757.5(EHMT1):c.129A>T (p.Ala43=)

Gene: EHMT1 (euchromatic histone lysine methyltransferase 1; plus strand). Cytogenetic location: 9q34.3.
Variant type: single nucleotide variant.
Coding change: c.129A>T on transcript NM_024757.5 (MANE Select); coding-DNA position 129, A replaced by T.
Protein change: p.Ala43=; no amino-acid change (alanine 43 retained).
Molecular consequence: synonymous variant.
Genome position (GRCh38, 1-based): chr9:137,716,669, A>T. VCF-style: chr9-137716669-A-T. GRCh37 (hg19) VCF-style: chr9-140611121-A-T.
Other names: c.129A>T, p.Ala43= (NM_001145527.2, NM_001354263.2, NM_001354611.2); c.36A>T, p.Ala12= (NM_001354259.2, NM_001354612.2).
Identifiers: ClinVar variation 96140 (VCV000096140.28), dbSNP rs76684726, ClinGen allele CA149284.
Genomic context (GRCh38, chr9:137,716,669, plus strand): 5'-CGTTTCTTTGTTGGCAGAGACACCTATGGCTGCCGATGAAGGCTCAGCAGAGAAACAGGC[A>T]GGAGAGGCCCACATGGCTGCGGACGGTGAGACCAATGGGTCTTGTGAAAACAGCGATGCC-3'
Protein context (NP_079033.4, residues 33-53): AADEGSAEKQ[Ala43=]GEAHMAADGE

ClinVar aggregate classification (germline): Benign. Review status: criteria provided, multiple submitters, no conflicts (2 of 4 stars). 6 submissions from 6 submitters: Benign (5). 1 of the submissions does not count toward it. Last evaluated 2026-02-03.

Conditions:
Inborn genetic diseases. Identifiers: MedGen C0950123, MeSH D030342.
Kleefstra syndrome 1 (KLEFS1). Identifiers: Orphanet 261494, MedGen C0795833, MONDO:0027407, OMIM 610253.

Allele frequency attached by ClinVar (database versions not stated): gnomAD 0.04178 and 0.04476; 1000 Genomes Project 30x 0.05044; TOPMed 0.04815; ExAC 0.01456; ESP Exome Variant Server 0.04415; 1000 Genomes Project 0.04732.
gnomAD v4.1: 14,387 of 1,598,218 alleles (0.9%); highest among the groups gnomAD compares: African/African-American, 14%; 829 homozygotes.

Submissions (6):

Labcorp Genetics (formerly Invitae), Labcorp
Classification: Benign for Kleefstra syndrome 1. Last evaluated: 2026-02-03. Review status: criteria provided, single submitter. Criteria: Invitae Variant Classification Sherloc (09022015). Collection method: clinical testing. Allele origin: germline.

GeneDx
Classification: Benign. Last evaluated: 2018-07-15. Review status: criteria provided, single submitter. Criteria: GeneDx Variant Classification Process June 2021. Collection method: clinical testing. Allele origin: germline. Affected: yes.

Ambry Genetics
Classification: Benign for Inborn genetic diseases. Last evaluated: 2016-04-15. Review status: criteria provided, single submitter. Criteria: Ambry Variant Classification Scheme 2023. Collection method: clinical testing. Allele origin: germline.

Eurofins Ntd Llc (ga)
Classification: Benign. Last evaluated: 2015-04-03. Review status: criteria provided, single submitter. Criteria: EGL Classification Definitions 2015. Collection method: clinical testing. Allele origin: germline. Observed: 3 variant alleles, 2 heterozygotes, 1 homozygote.

Breakthrough Genomics
Classification: Benign. Review status: criteria provided, single submitter. Criteria: ACMG Guidelines, 2015. Collection method: not provided. Allele origin: germline. Inheritance: Autosomal dominant inheritance. Affected: yes.

Genetic Services Laboratory, University of Chicago
Classification: Likely benign for AllHighlyPenetrant. Review status: no assertion criteria provided. Collection method: clinical testing. Allele origin: germline. Inheritance: Autosomal dominant inheritance. Not counted in ClinVar's aggregate classification.
Comment: Likely benign based on allele frequency in 1000 Genomes Project or ESP global frequency and its presence in a patient with a rare or unrelated disease phenotype. NOT Sanger confirmed.